The following is an entry in ClinVar:

ClinVar aggregate classification (germline): Likely pathogenic (1 of 4 stars; one submission).

Conditions:
Mucopolysaccharidosis type 1. Also called: Mucopolysaccharidosis Type I; IDUA deficiency; MPS I. Identifiers: Orphanet 579, MedGen C0023786, MONDO:0001586.

Submission:

Labcorp Genetics (formerly Invitae), Labcorp
Classification: Likely pathogenic for Mucopolysaccharidosis type 1. Last evaluated: 2021-10-23. Review status: criteria provided, single submitter. Criteria: Invitae Variant Classification Sherloc (09022015). Collection method: clinical testing. Allele origin: germline.
Comment: This sequence change replaces aspartic acid, which is acidic and polar, with tyrosine, which is neutral and polar, at codon 203 of the IDUA protein (p.Asp203Tyr). This variant is not present in population databases (gnomAD no frequency). This variant has not been reported in the literature in individuals affected with IDUA-related conditions. Advanced modeling of protein sequence and biophysical properties (such as structural, functional, and spatial information, amino acid conservation, physicochemical variation, residue mobility, and thermodynamic stability) performed at Invitae indicates that this missense variant is expected to disrupt IDUA protein function. This variant disrupts the p.Asp203 amino acid residue in IDUA. Other variant(s) that disrupt this residue have been determined to be pathogenic (PMID: 17407067). This suggests that this residue is clinically significant, and that variants that disrupt this residue are likely to be disease-causing. In summary, the currently available evidence indicates that the variant is pathogenic, but additional data are needed to prove that conclusively. Therefore, this variant has been classified as Likely Pathogenic.

Literature cited by the submitters: PubMed 17407067.

NM_000203.5(IDUA):c.607G>T (p.Asp203Tyr)

Gene: IDUA (alpha-L-iduronidase; plus strand). Cytogenetic location: 4p16.3.
Variant type: single nucleotide variant.
Coding change: c.607G>T on transcript NM_000203.5 (MANE Select); coding-DNA position 607, G replaced by T.
Protein change: p.Asp203Tyr; replaces aspartic acid 203 with tyrosine.
Molecular consequence: missense variant. On other transcripts: non-coding transcript variant (1).
Genome position (GRCh38, 1-based): chr4:1,001,696, G>T. VCF-style: chr4-1001696-G-T. GRCh37 (hg19) VCF-style: chr4-995484-G-T.
Other names: c.211G>T, p.Asp71Tyr (NM_001363576.1); short protein forms D203Y, D71Y.
Identifiers: ClinVar variation 1525114 (VCV001525114.6), dbSNP rs2153021976, ClinGen allele CA355961912.
Genomic context (GRCh38, chr4:1,001,696, plus strand): 5'-TCATCCCCAGGGCAGGTGTAGACGCAGTGCTCCCCCGGCCCAGGCTTCCTGAACTACTAC[G>T]ATGCCTGCTCGGAGGGTCTGCGCGCCGCCAGCCCCGCCCTGCGGCTGGGAGGCCCCGGCG-3'
Protein context (NP_000194.2, residues 193-213): MTMQGFLNYY[Asp203Tyr]ACSEGLRAAS